The following is an entry in ClinVar:

ClinVar aggregate classification (germline): Conflicting classifications of pathogenicity. Review status: criteria provided, conflicting classifications (1 of 4 stars). 2 submissions from 2 submitters: Likely pathogenic (1); Uncertain significance (1). Last evaluated 2024-08-22.

Conditions:
Autosomal recessive nonsyndromic hearing loss 35. Identifiers: Orphanet 90636, MedGen C1837857, MONDO:0012060, OMIM 608565.

gnomAD v4.1: 4 of 1,613,826 alleles (0.00025%); highest among the groups gnomAD compares: East Asian, 0.0022%; no homozygotes.

Submissions (2):

GeneDx
Classification: Uncertain significance. Last evaluated: 2024-08-22. Review status: criteria provided, single submitter. Criteria: GeneDx Variant Classification Process June 2021. Collection method: clinical testing. Allele origin: germline. Affected: yes.
Comment: Observed in the heterozygous state in one individual from a pediatric cohort with severe-to-profound nonsyndromic hearing loss and no second variant in the ESRRB gene was identified (PMID: 30733538); Not observed at significant frequency in large population cohorts (gnomAD); In silico analysis supports that this missense variant has a deleterious effect on protein structure/function; This variant is associated with the following publications: (PMID: 30733538, 31827275)

Victorian Clinical Genetics Services, Murdoch Childrens Research Institute
Classification: Likely pathogenic for Autosomal recessive nonsyndromic hearing loss 35. Last evaluated: 2020-10-19. Review status: criteria provided, single submitter. Criteria: ACMG Guidelines, 2015. Collection method: clinical testing. Allele origin: germline. Inheritance: Autosomal recessive inheritance. Affected: yes.
Comment: Based on the classification scheme VCGS_Germline_v1.3.3, this variant is classified as Likely Pathogenic. Following criteria are met: 0102 - Loss of function is a known mechanism of disease in this gene and is associated with autosomal recessive deafness 35 (MIM#608565). (I) 0106 - This gene is associated with autosomal recessive disease. (I) 0200 - Variant is predicted to result in a missense amino acid change from arginine to cysteine. (I) 0252 - This variant is homozygous. (I) 0301 - Variant is absent from gnomAD (both v2 and v3). (SP) 0309 - Multiple alternative amino acid changes at the same position have been observed in gnomAD (v3) (highest allele count: 2 heterozygotes, 0 homozygotes). (I) 0501 - Missense variant consistently predicted to be damaging by multiple in silico tools or highly conserved with a major amino acid change. (SP) 0600 - Variant is a DNA binding site located in the annotated DNA-binding domain of estrogen related receptors (ERR) (NCBI). (I) 0704 - Another missense variant comparable to the one identified in this case has limited previous evidence for pathogenicity. The p.(Arg174His) variant has been reported in a homozygote individual with non-syndromic hearing loss (PMID: 31389194). (SP) 0807 - This variant has no previous evidence of pathogenicity. (I) 0905 - No published segregation evidence has been identified for this variant. (I) 1007 - No published functional evidence has been identified for this variant. (I) Legend: (SP) - Supporting pathogenic, (I) - Information, (SB) - Supporting benign

Literature cited by the submitters: PubMed 31389194 (cited by Victorian Clinical Genetics Services, Murdoch Childrens Research Institute).

NM_001379180.1(ESRRB):c.583C>T (p.Arg195Cys)

Gene: ESRRB (estrogen related receptor beta; plus strand). Cytogenetic location: 14q24.3.
Variant type: single nucleotide variant.
Coding change: c.583C>T on transcript NM_001379180.1 (MANE Select); coding-DNA position 583, C replaced by T.
Protein change: p.Arg195Cys; replaces arginine 195 with cysteine.
Molecular consequence: missense variant.
Genome position (GRCh38, 1-based): chr14:76,482,021, C>T. VCF-style: chr14-76482021-C-T. GRCh37 (hg19) VCF-style: chr14-76948364-C-T.
Other names: c.520C>T, p.Arg174Cys (NM_004452.4); short protein forms R174C, R195C.
Identifiers: ClinVar variation 869463 (VCV000869463.4), dbSNP rs138510486, ClinGen allele CA263740508.